The following is an entry in ClinVar:

ClinVar aggregate classification (germline): Uncertain significance (1 of 4 stars; one submission).

Submission:

Ambry Genetics
Classification: Uncertain significance. Last evaluated: 2022-12-04. Review status: criteria provided, single submitter. Criteria: Ambry Variant Classification Scheme 2023. Collection method: clinical testing. Allele origin: germline.
Comment: The p.R404P variant (also known as c.1211G>C), located in coding exon 9 of the RECQL gene, results from a G to C substitution at nucleotide position 1211. The arginine at codon 404 is replaced by proline, an amino acid with dissimilar properties. This amino acid position is conserved. In addition, this alteration is predicted to be deleterious by in silico analysis. Since supporting evidence is limited at this time, the clinical significance of this alteration remains unclear.

NM_002907.4(RECQL):c.1211G>C (p.Arg404Pro)

Gene: RECQL (RecQ like helicase; minus strand). Cytogenetic location: 12p12.1.
Variant type: single nucleotide variant.
Coding change: c.1211G>C on transcript NM_002907.4 (MANE Select); coding-DNA position 1211, G replaced by C.
Protein change: p.Arg404Pro; replaces arginine 404 with proline.
Molecular consequence: missense variant.
Genome position (GRCh38, 1-based): chr12:21,475,473, C>G on the plus strand (G>C on the coding strand, the complement: RECQL is on the minus strand). VCF-style: chr12-21475473-C-G. GRCh37 (hg19) VCF-style: chr12-21628407-C-G.
Other names: c.1211G>C, p.Arg404Pro (NM_032941.3); short protein forms R404P.
Identifiers: ClinVar variation 2450962 (VCV002450962.2), dbSNP rs770588203, ClinGen allele CA384119132.